The following is an entry in ClinVar:

ClinVar aggregate classification (germline): Uncertain significance. Review status: criteria provided, multiple submitters, no conflicts (2 of 4 stars). 3 submissions from 3 submitters: Uncertain significance (3). Last evaluated 2025-12-03.

Conditions:
Hereditary cancer-predisposing syndrome. Also called: Hereditary neoplastic syndrome; Neoplastic Syndromes, Hereditary; Hereditary Cancer Syndrome; Tumor predisposition. Identifiers: Orphanet 140162, MedGen C0027672, MeSH D009386, MONDO:0015356.

gnomAD v4.1: 8 of 1,613,278 alleles (0.0005%); highest among the groups gnomAD compares: Non-Finnish European, 0.00068%; no homozygotes.

Submissions (3):

Labcorp Genetics (formerly Invitae), Labcorp
Classification: Uncertain significance. Last evaluated: 2025-12-03. Review status: criteria provided, single submitter. Criteria: Invitae Variant Classification Sherloc (09022015). Collection method: clinical testing. Allele origin: germline.
Comment: This sequence change replaces phenylalanine, which is neutral and non-polar, with leucine, which is neutral and non-polar, at codon 1345 of the POLE protein (p.Phe1345Leu). This variant is not present in population databases (gnomAD no frequency). This variant has not been reported in the literature in individuals affected with POLE-related conditions. ClinVar contains an entry for this variant (Variation ID: 968293). Invitae Evidence Modeling of protein sequence and biophysical properties (such as structural, functional, and spatial information, amino acid conservation, physicochemical variation, residue mobility, and thermodynamic stability) indicates that this missense variant is not expected to disrupt POLE protein function with a negative predictive value of 80%. In summary, the available evidence is currently insufficient to determine the role of this variant in disease. Therefore, it has been classified as a Variant of Uncertain Significance.

Ambry Genetics
Classification: Uncertain significance for Hereditary cancer-predisposing syndrome. Last evaluated: 2025-05-07. Review status: criteria provided, single submitter. Criteria: Ambry Variant Classification Scheme 2023. Collection method: clinical testing. Allele origin: germline.
Comment: The p.F1345L variant (also known as c.4035C>G), located in coding exon 32 of the POLE gene, results from a C to G substitution at nucleotide position 4035. The phenylalanine at codon 1345 is replaced by leucine, an amino acid with highly similar properties. This amino acid position is well conserved in available vertebrate species. In addition, this alteration is predicted to be tolerated by in silico analysis. Based on the available evidence, the clinical significance of this variant remains unclear.

GeneDx
Classification: Uncertain significance. Last evaluated: 2025-04-10. Review status: criteria provided, single submitter. Criteria: GeneDx Variant Classification Process June 2021. Collection method: clinical testing. Allele origin: germline. Affected: yes.
Comment: Not observed at significant frequency in large population cohorts (gnomAD); In silico analysis supports that this missense variant has a deleterious effect on protein structure/function; Has not been previously published as pathogenic or benign to our knowledge

NM_006231.4(POLE):c.4035C>G (p.Phe1345Leu)

Gene: POLE (DNA polymerase epsilon, catalytic subunit; minus strand). Cytogenetic location: 12q24.33.
Variant type: single nucleotide variant.
Coding change: c.4035C>G on transcript NM_006231.4 (MANE Select); coding-DNA position 4035, C replaced by G.
Protein change: p.Phe1345Leu; replaces phenylalanine 1345 with leucine.
Molecular consequence: missense variant.
Genome position (GRCh38, 1-based): chr12:132,649,043, G>C on the plus strand (C>G on the coding strand, the complement: POLE is on the minus strand). VCF-style: chr12-132649043-G-C. GRCh37 (hg19) VCF-style: chr12-133225629-G-C.
Other names: c.4035C>G (NM_006231.2); short protein forms F1345L.
Identifiers: ClinVar variation 968293 (VCV000968293.11), dbSNP rs1031102743, ClinGen allele CA387383946.